The following is an entry in ClinVar:

ClinVar aggregate classification (germline): Pathogenic/Likely pathogenic. Review status: criteria provided, multiple submitters, no conflicts (2 of 4 stars). 2 submissions from 2 submitters: Pathogenic (1); Likely pathogenic (1). Last evaluated 2023-02-23.

Submissions (2):

GeneDx
Classification: Pathogenic. Last evaluated: 2023-02-23. Review status: criteria provided, single submitter. Criteria: GeneDx Variant Classification Process June 2021. Collection method: clinical testing. Allele origin: germline. Affected: yes.
Comment: Occurs in the triple helical domain and replaces the glycine in the canonical Gly-X-Y repeat; missense substitution of a canonical glycine residue is expected to disrupt normal protein folding and function, and this is an established mechanism of disease (HGMD); Not observed at significant frequency in large population cohorts (gnomAD); In silico analysis supports that this missense variant has a deleterious effect on protein structure/function; Has not been previously published as pathogenic or benign to our knowledge; Also known as G214R

New York Genome Center
Classification: Likely pathogenic. Last evaluated: 2022-11-22. Review status: criteria provided, single submitter. Criteria: NYGC Assertion Criteria 2020. Collection method: clinical testing. Allele origin: de novo. Affected: yes. Observed: 1 heterozygote. Study: PrenatalSEQ.
Comment: The c.1174G>A variant in COL1A1 has not previously been reported in the literature and reported twice in the LOVD database without any phenotypic records. The variant is absent from population databases (gnomAD v2.1.1 and v3.1.2, TOPMed Freeze 8, All of Us), suggesting it is not a common benign variant in the populations represented in those databases. The c.1174G>A variant in COL1A1 is located in exon 18 of this 51-exon gene and is predicted to replace an evolutionarily conserved glycine amino acid with Arginine at position 392 in the triple helical domain of the encoded protein. In silico predictions are in favor of damaging effect for p.(Gly392Arg) [(CADD v1.6 = 31, REVEL = 0.99)]; however, there are no functional studies to support or refute these predictions. Several pathogenic COL1A1 glycine missense variants within the triple helical domain and nearby to p.(Gly392) residue have been reported in the literature [PMID: 34567078] and ClinVar [ClinVar ID: 664505] in individuals with Osteogenesis imperfecta. Additionally, another missense substitution p.(Gly392Glu) affecting this residue has been reported in individuals with Osteogenesis imperfecta [PMID: 17078022]. Based on available evidence this de novo c.1174G>A p.(Gly392Arg) variant identified in COL1A1 is classified as likely pathogenic.

NM_000088.4(COL1A1):c.1174G>A (p.Gly392Arg)

Gene: COL1A1 (collagen type I alpha 1 chain; minus strand). Cytogenetic location: 17q21.33.
Variant type: single nucleotide variant.
Coding change: c.1174G>A on transcript NM_000088.4 (MANE Select); coding-DNA position 1174, G replaced by A.
Protein change: p.Gly392Arg; replaces glycine 392 with arginine.
Molecular consequence: missense variant.
Genome position (GRCh38, 1-based): chr17:50,195,460, C>T on the plus strand (G>A on the coding strand, the complement: COL1A1 is on the minus strand). VCF-style: chr17-50195460-C-T. GRCh37 (hg19) VCF-style: chr17-48272821-C-T.
Other names: short protein forms G392R.
Identifiers: ClinVar variation 2430649 (VCV002430649.2), dbSNP rs2509227703, ClinGen allele CA400219173.